The following is an entry in ClinVar:

NM_003072.5(SMARCA4):c.3851A>G (p.Asp1284Gly)

Gene: SMARCA4 (SWI/SNF related BAF chromatin remodeling complex subunit ATPase 4; plus strand). Cytogenetic location: 19p13.2.
Variant type: single nucleotide variant.
Coding change: c.3851A>G on transcript NM_003072.5 (MANE Select); coding-DNA position 3851, A replaced by G.
Protein change: p.Asp1284Gly; replaces aspartic acid 1284 with glycine.
Molecular consequence: missense variant. On other transcripts: intron variant (5).
Genome position (GRCh38, 1-based): chr19:11,033,843, A>G. VCF-style: chr19-11033843-A-G. GRCh37 (hg19) VCF-style: chr19-11144519-A-G.
Other names: c.3851A>G, p.Asp1284Gly (NM_001128844.3, NM_001128849.3, NM_001387283.1); c.3775-280A>G (NM_001128847.4, NM_001374457.1, NM_001128845.2 and 2 more transcripts); short protein forms D1284G.
Identifiers: ClinVar variation 2101140 (VCV002101140.4), dbSNP rs2146667736, ClinGen allele CA404066768.

ClinVar aggregate classification (germline): Uncertain significance (1 of 4 stars; one submission).

Conditions:
Rhabdoid tumor predisposition syndrome 2 (RTPS2). Identifiers: Orphanet 231108, Orphanet 69077, MedGen C2750074, MONDO:0013224, OMIM 613325.

Submission:

Labcorp Genetics (formerly Invitae), Labcorp
Classification: Uncertain significance for Rhabdoid tumor predisposition syndrome 2. Last evaluated: 2025-06-16. Review status: criteria provided, single submitter. Criteria: Invitae Variant Classification Sherloc (09022015). Collection method: clinical testing. Allele origin: germline.
Comment: This sequence change replaces aspartic acid, which is acidic and polar, with glycine, which is neutral and non-polar, at codon 1284 of the SMARCA4 protein (p.Asp1284Gly). This variant is not present in population databases (gnomAD no frequency). This variant has not been reported in the literature in individuals affected with SMARCA4-related conditions. ClinVar contains an entry for this variant (Variation ID: 2101140). An algorithm developed to predict the effect of missense changes on protein structure and function (PolyPhen-2) suggests that this variant is likely to be tolerated. In summary, the available evidence is currently insufficient to determine the role of this variant in disease. Therefore, it has been classified as a Variant of Uncertain Significance.